The following is an entry in ClinVar:

NM_001822.7(CHN1):c.1217T>G (p.Leu406Arg)

Gene: CHN1 (chimerin 1; minus strand). Cytogenetic location: 2q31.1.
Variant type: single nucleotide variant.
Coding change: c.1217T>G on transcript NM_001822.7 (MANE Select); coding-DNA position 1217, T replaced by G.
Protein change: p.Leu406Arg; replaces leucine 406 with arginine.
Molecular consequence: missense variant. On other transcripts: non-coding transcript variant (1).
Genome position (GRCh38, 1-based): chr2:174,800,279, A>C on the plus strand (T>G on the coding strand, the complement: CHN1 is on the minus strand). VCF-style: chr2-174800279-A-C. GRCh37 (hg19) VCF-style: chr2-175665007-A-C.
Other names: c.1139T>G, p.Leu380Arg (NM_001025201.4); c.842T>G, p.Leu281Arg (NM_001206602.2); c.1217T>G, p.Leu406Arg (NM_001371513.1); c.1268T>G, p.Leu423Arg (NM_001371514.1); short protein forms L281R, L380R, L406R, L423R.
Identifiers: ClinVar variation 3370874 (VCV003370874.1).
Genomic context (GRCh38, chr2:174,800,279, plus strand): 5'-AGGGTGGGTCCAAAGACGATTCCAAGGTTCTCTGCATTCATAAGATTCTCCTTTTCGTGG[A>C]GGGTCACTCTGAAAAATGCAAGTACAGGAATAAATGACTTTGTGTAAGCCATATGTTCTT-3'
Protein context (NP_001813.1, residues 396-416): YLMAHLKRVT[Leu406Arg]HEKENLMNAE

ClinVar aggregate classification (germline): Uncertain significance (1 of 4 stars; one submission).

gnomAD v4.1: 3 of 1,433,442 alleles (0.00021%); highest among the groups gnomAD compares: African/African-American, 0.0043%; no homozygotes.

Submission:

GeneDx
Classification: Uncertain significance. Last evaluated: 2024-03-18. Review status: criteria provided, single submitter. Criteria: GeneDx Variant Classification Process June 2021. Collection method: clinical testing. Allele origin: germline. Affected: yes.
Comment: Not observed at significant frequency in large population cohorts (gnomAD); In silico analysis supports that this missense variant does not alter protein structure/function; Has not been previously published as pathogenic or benign to our knowledge